The following is an entry in ClinVar:

ClinVar aggregate classification (germline): Uncertain significance. Review status: criteria provided, multiple submitters, no conflicts (2 of 4 stars). 3 submissions from 3 submitters: Uncertain significance (3). Last evaluated 2025-10-02.

Conditions:
Hereditary cancer-predisposing syndrome. Also called: Hereditary neoplastic syndrome; Tumor predisposition; Neoplastic Syndromes, Hereditary; Hereditary Cancer Syndrome. Identifiers: Orphanet 140162, MedGen C0027672, MeSH D009386, MONDO:0015356.
Gorlin syndrome. Also called: Nevoid Basal Cell Carcinoma Syndrome; Basal cell nevus syndrome. Identifiers: Orphanet 377, MedGen C0004779, MONDO:0007187.

Allele frequency attached by ClinVar (database versions not stated): TOPMed below 0.00001.

Submissions (3):

Labcorp Genetics (formerly Invitae), Labcorp
Classification: Uncertain significance for Gorlin syndrome. Last evaluated: 2025-10-02. Review status: criteria provided, single submitter. Criteria: Invitae Variant Classification Sherloc (09022015). Collection method: clinical testing. Allele origin: germline.
Comment: This sequence change replaces arginine, which is basic and polar, with lysine, which is basic and polar, at codon 1440 of the PTCH1 protein (p.Arg1440Lys). This variant is not present in population databases (gnomAD no frequency). This variant has not been reported in the literature in individuals affected with PTCH1-related conditions. ClinVar contains an entry for this variant (Variation ID: 1475644). Invitae Evidence Modeling of protein sequence and biophysical properties (such as structural, functional, and spatial information, amino acid conservation, physicochemical variation, residue mobility, and thermodynamic stability) indicates that this missense variant is not expected to disrupt PTCH1 protein function with a negative predictive value of 95%. In summary, the available evidence is currently insufficient to determine the role of this variant in disease. Therefore, it has been classified as a Variant of Uncertain Significance.

Ambry Genetics
Classification: Uncertain significance for Hereditary cancer-predisposing syndrome. Last evaluated: 2025-03-15. Review status: criteria provided, single submitter. Criteria: Ambry Variant Classification Scheme 2023. Collection method: clinical testing. Allele origin: germline.
Comment: The p.R1440K variant (also known as c.4319G>A), located in coding exon 23 of the PTCH1 gene, results from a G to A substitution at nucleotide position 4319. The arginine at codon 1440 is replaced by lysine, an amino acid with highly similar properties. This amino acid position is conserved. In addition, this alteration is predicted to be tolerated by in silico analysis. Since supporting evidence is limited at this time, the clinical significance of this alteration remains unclear.

GeneDx
Classification: Uncertain significance. Last evaluated: 2024-05-10. Review status: criteria provided, single submitter. Criteria: GeneDx Variant Classification Process June 2021. Collection method: clinical testing. Allele origin: germline. Affected: yes.
Comment: Not observed at significant frequency in large population cohorts (gnomAD); In silico analysis indicates that this missense variant does not alter protein structure/function; Has not been previously published as pathogenic or benign to our knowledge

NM_000264.5(PTCH1):c.4319G>A (p.Arg1440Lys)

Gene: PTCH1 (patched 1; minus strand). Cytogenetic location: 9q22.32.
Variant type: single nucleotide variant.
Coding change: c.4319G>A on transcript NM_000264.5 (MANE Select); coding-DNA position 4319, G replaced by A.
Protein change: p.Arg1440Lys; replaces arginine 1440 with lysine.
Molecular consequence: missense variant. On other transcripts: non-coding transcript variant (1).
Genome position (GRCh38, 1-based): chr9:95,446,937, C>T on the plus strand (G>A on the coding strand, the complement: PTCH1 is on the minus strand). VCF-style: chr9-95446937-C-T. GRCh37 (hg19) VCF-style: chr9-98209219-C-T.
Other names: c.4319G>A (NM_000264.3); c.4121G>A, p.Arg1374Lys (NM_001083602.3); c.4316G>A, p.Arg1439Lys (NM_001083603.3); c.3866G>A, p.Arg1289Lys (NM_001083604.3, NM_001083605.3, NM_001083606.3 and 1 more transcripts); c.4163G>A, p.Arg1388Lys (NM_001354918.2); short protein forms R1289K, R1439K, R1374K, R1388K, R1440K.
Identifiers: ClinVar variation 1475644 (VCV001475644.11), dbSNP rs1354112241, ClinGen allele CA374109841.
Genomic context (GRCh38, chr9:95,446,937, plus strand): 5'-AGGTCCCTTGGCTGCCCTTGTCAGTGGCACTCACCTCAGTTGGAGCTGCTTCCCCGGGGC[C>T]TCTCCTCGCATTCCACGTCCTGCAGCTCAATGACTTCCACCTTCGAATCCCTCCTCTCAC-3'
Protein context (NP_000255.2, residues 1430-1447): IELQDVECEE[Arg1440Lys]PRGSSSN